The following is an entry in ClinVar:

NM_013275.6(ANKRD11):c.88-5T>C

Gene: ANKRD11 (ankyrin repeat domain containing 11; minus strand). Cytogenetic location: 16q24.3.
Variant type: single nucleotide variant.
Coding change: c.88-5T>C on transcript NM_013275.6 (MANE Select); 5 bases into the intron before coding-DNA position 88, T replaced by C.
Molecular consequence: intron variant.
Genome position (GRCh38, 1-based): chr16:89,305,349, A>G on the plus strand (T>C on the coding strand, the complement: ANKRD11 is on the minus strand). VCF-style: chr16-89305349-A-G. GRCh37 (hg19) VCF-style: chr16-89371757-A-G.
Other names: c.88-5T>C (NM_001256183.2, NM_001256182.2).
Identifiers: ClinVar variation 1764927 (VCV001764927.2), dbSNP rs1165525370, ClinGen allele CA624229509.

ClinVar aggregate classification (germline): Uncertain significance (1 of 4 stars; one submission).

Conditions:
Inborn genetic diseases. Identifiers: MedGen C0950123, MeSH D030342.

Allele frequency attached by ClinVar (database versions not stated): gnomAD exomes 0.00001.
gnomAD v4.1: 8 of 1,613,936 alleles (0.0005%); highest among the groups gnomAD compares: Non-Finnish European, 0.00068%; no homozygotes.

Submission:

Ambry Genetics
Classification: Uncertain significance for Inborn genetic diseases. Last evaluated: 2020-08-13. Review status: criteria provided, single submitter. Criteria: Ambry Variant Classification Scheme 2023. Collection method: clinical testing. Allele origin: germline.
Comment: The c.88-5T>C intronic variant results from a T to C substitution 5 nucleotides upstream from coding exon 2 in the ANKRD11 gene. This nucleotide position is not well conserved in available vertebrate species. In silico splice site analysis predicts that this alteration will not have any significant effect on splicing. Since supporting evidence is limited at this time, the clinical significance of this alteration remains unclear.